The following is an entry in ClinVar:

NM_133433.4(NIPBL):c.2599G>A (p.Glu867Lys)

Gene: NIPBL (NIPBL cohesin loading factor; plus strand). Cytogenetic location: 5p13.2.
Variant type: single nucleotide variant.
Coding change: c.2599G>A on transcript NM_133433.4 (MANE Select); coding-DNA position 2599, G replaced by A.
Protein change: p.Glu867Lys; replaces glutamic acid 867 with lysine.
Molecular consequence: missense variant.
Genome position (GRCh38, 1-based): chr5:36,985,779, G>A. VCF-style: chr5-36985779-G-A. GRCh37 (hg19) VCF-style: chr5-36985881-G-A.
Other names: c.2599G>A, p.Glu867Lys (NM_015384.5); short protein forms E867K.
Identifiers: ClinVar variation 2629004 (VCV002629004.1), dbSNP rs1031384711, ClinGen allele CA117044849.
Genomic context (GRCh38, chr5:36,985,779, plus strand): 5'-AGATCCTCTAGTAGAAATGAACATGGCATTAAATCTGATAGTTCAAAAACTGATAAACTA[G>A]AACGAAAACACAGGCATGAATCAGGGGACTCAAGGGAAAGACCATCTTCTGGGGAACAAA-3'
Protein context (NP_597677.2, residues 857-877): KSDSSKTDKL[Glu867Lys]RKHRHESGDS

ClinVar aggregate classification (germline): Uncertain significance (1 of 4 stars; one submission).

Conditions:
NIPBL-related disorder. Also called: NIPBL-related condition.

Allele frequency attached by ClinVar (database versions not stated): TOPMed below 0.00001.

Submission:

PreventionGenetics, part of Exact Sciences
Classification: Uncertain significance for NIPBL-related condition. Last evaluated: 2023-05-12. Review status: criteria provided, single submitter. Criteria: ACMG Guidelines, 2015. Collection method: clinical testing. Allele origin: germline.
Comment: The NIPBL c.2599G>A variant is predicted to result in the amino acid substitution p.Glu867Lys. To our knowledge, this variant has not been reported in the literature or in a large population database, indicating this variant is rare. Of note, an adjacent variant (c.2603G>A, p.Arg868Gln) has been reported to occur de novo in a patient with classic Cornelia de Lange syndrome (Kuzniacka et al. 2013. PubMed ID: 23254390). Although we suspect this variant could be pathogenic, at this time, the clinical significance of this variant is uncertain due to the absence of conclusive functional and genetic evidence.